The following is an entry in ClinVar:

ClinVar aggregate classification (germline): Uncertain significance (1 of 4 stars; one submission).

Submission:

GeneDx
Classification: Uncertain significance. Last evaluated: 2025-09-25. Review status: criteria provided, single submitter. Criteria: GeneDx Variant Classification Process June 2021. Collection method: clinical testing. Allele origin: germline. Affected: yes.
Comment: Not observed at significant frequency in large population cohorts (gnomAD); In silico analysis supports that this missense variant has a deleterious effect on protein structure/function; Has not been previously published as pathogenic or benign to our knowledge

NM_033517.1:c.140T>C

Gene: SHANK3 (SH3 and multiple ankyrin repeat domains 3; plus strand).
Variant type: single nucleotide variant.
Other names: c.140T>C (NM_033517.1).
Identifiers: ClinVar variation 4088152 (VCV004088152.1).